The following is an entry in ClinVar:

NM_001041.4(SI):c.834_837del (p.Gln278fs)

Gene: SI (sucrase-isomaltase; minus strand). Cytogenetic location: 3q26.1.
Variant type: Deletion.
Coding change: c.834_837del on transcript NM_001041.4 (MANE Select); coding-DNA positions 834 to 837, 4 bases deleted (AACA; older notation c.834_837delAACA).
Protein change: p.Gln278fs; shifts the reading frame from glutamine 278.
Molecular consequence: frameshift variant.
Genome position (GRCh38, 1-based): chr3:165,063,512-165,063,515, TGTT deleted on the plus strand (AACA on the coding strand, the reverse complement: SI is on the minus strand); deleting any 4 consecutive bases within chr3:165,063,512-165,063,517 gives the same sequence; the c. name uses the placement nearest the transcript's 3' end. VCF-style (leftmost placement, unchanged base first): chr3-165063511-ATGTT-A. GRCh37 (hg19) VCF-style: chr3-164781299-ATGTT-A.
Other names: short protein forms Q278fs.
Identifiers: ClinVar variation 1951236 (VCV001951236.7), dbSNP rs769229932, ClinGen allele CA2691287.

ClinVar aggregate classification (germline): Pathogenic/Likely pathogenic. Review status: criteria provided, multiple submitters, no conflicts (2 of 4 stars). 3 submissions from 3 submitters: Pathogenic (2); Likely pathogenic (1). Last evaluated 2025-04-21.

Conditions:
Sucrase-isomaltase deficiency (CSID). Also called: Deficiency of isomaltase; SI DEFICIENCY; Congenital sucrose isomaltose malabsorption; Sucrose isomaltose enzyme deficiency. Identifiers: Orphanet 35122, MedGen C1283620, MONDO:0009114, OMIM 222900.

Submissions (3):

Labcorp Genetics (formerly Invitae), Labcorp
Classification: Pathogenic. Last evaluated: 2025-04-21. Review status: criteria provided, single submitter. Criteria: Invitae Variant Classification Sherloc (09022015). Collection method: clinical testing. Allele origin: germline.
Comment: This sequence change creates a premature translational stop signal (p.Gln278Hisfs*18) in the SI gene. It is expected to result in an absent or disrupted protein product. Loss-of-function variants in SI are known to be pathogenic (PMID: 16329100, 23103650, 25452324). This variant is present in population databases (rs769229932, gnomAD 0.002%). This variant has not been reported in the literature in individuals affected with SI-related conditions. ClinVar contains an entry for this variant (Variation ID: 1951236). Algorithms developed to predict the effect of sequence changes on RNA splicing suggest that this variant may disrupt the consensus splice site. For these reasons, this variant has been classified as Pathogenic.

Aleixo Muise Laboratory, Hospital For Sick Children
Classification: Pathogenic for Sucrase-isomaltase deficiency. Last evaluated: 2024-07-05. Review status: criteria provided, single submitter. Criteria: ACMG Guidelines, 2015. Collection method: research. Allele origin: germline. Affected: yes. Observed: 1 variant allele.
Comment: PVS1;PS1;PM2;PP3;PP4

Laboratory for Molecular Medicine, Mass General Brigham Personalized Medicine
Classification: Likely pathogenic for Sucrase-isomaltase deficiency. Last evaluated: 2023-07-26. Review status: criteria provided, single submitter. Criteria: ACMG Guidelines, 2015. Collection method: clinical testing. Allele origin: germline. Inheritance: Autosomal recessive inheritance.
Comment: The p.Gln278HisfsX18 variant in SI has not been reported in individuals with disease and was absent from large population studies (v3.1.2). It has been reported in ClinVar (Variation ID 1951236). This variant is predicted to cause a frameshift, which alters the protein’s amino acid sequence beginning at position 278 and leads to a premature termination codon 18 amino acids downstream. This alteration is then predicted to lead to a truncated or absent protein. Loss of function of the SI gene is an established disease mechanism in congenital sucrase-isomaltase deficiency. In summary, although additional studies are required to fully establish its clinical significance, these variant meets criteria to be classified as likely pathogenic for autosomal recessive congenital sucrase-isomaltase deficiency. ACMG/AMP Criteria applied: PM2_Supporting, PVS1.

Literature cited by the submitters: PubMed 16329100 (cited by Labcorp Genetics (formerly Invitae), Labcorp); PubMed 23103650 (cited by Labcorp Genetics (formerly Invitae), Labcorp); PubMed 25452324 (cited by Labcorp Genetics (formerly Invitae), Labcorp).